The following is an entry in ClinVar:

NM_001282531.3(ADNP):c.14C>A (p.Pro5His)

Gene: ADNP (activity dependent neuroprotector homeobox; minus strand). Cytogenetic location: 20q13.13.
Variant type: single nucleotide variant.
Coding change: c.14C>A on transcript NM_001282531.3 (MANE Select); coding-DNA position 14, C replaced by A.
Protein change: p.Pro5His; replaces proline 5 with histidine.
Molecular consequence: missense variant.
Genome position (GRCh38, 1-based): chr20:50,903,983, G>T on the plus strand (C>A on the coding strand, the complement: ADNP is on the minus strand). VCF-style: chr20-50903983-G-T. GRCh37 (hg19) VCF-style: chr20-49520520-G-T.
Other names: c.14C>A, p.Pro5His (NM_001282532.2, NM_001347511.2, NM_015339.5 and 1 more transcripts); short protein forms P5H.
Identifiers: ClinVar variation 1700928 (VCV001700928.2), dbSNP rs2122841043, ClinGen allele CA408982626.

ClinVar aggregate classification (germline): Uncertain significance (1 of 4 stars; one submission).

Submission:

GeneDx
Classification: Uncertain significance. Last evaluated: 2022-02-11. Review status: criteria provided, single submitter. Criteria: GeneDx Variant Classification Process June 2021. Collection method: clinical testing. Allele origin: germline. Affected: yes.
Comment: Not observed at significant frequency in large population cohorts (gnomAD); In silico analysis supports that this missense variant has a deleterious effect on protein structure/function; Has not been previously published as pathogenic or benign to our knowledge